The following is an entry in ClinVar:

ClinVar aggregate classification (germline): Conflicting classifications of pathogenicity. Review status: criteria provided, conflicting classifications (1 of 4 stars). 2 submissions from 2 submitters: Uncertain significance (1); Likely benign (1). Last evaluated 2026-01-18.

Allele frequency attached by ClinVar (database versions not stated): ExAC 0.00010; gnomAD 0.00013 and 0.00014; gnomAD exomes 0.00014; ESP Exome Variant Server 0.00015.
gnomAD v4.1: 465 of 1,609,456 alleles (0.029%); highest among the groups gnomAD compares: Non-Finnish European, 0.036%; 1 homozygote.

Submissions (2):

Labcorp Genetics (formerly Invitae), Labcorp
Classification: Uncertain significance. Last evaluated: 2026-01-18. Review status: criteria provided, single submitter. Criteria: Invitae Variant Classification Sherloc (09022015). Collection method: clinical testing. Allele origin: germline.
Comment: This sequence change replaces serine, which is neutral and polar, with asparagine, which is neutral and polar, at codon 240 of the IFT57 protein (p.Ser240Asn). This variant is present in population databases (rs139075839, gnomAD 0.03%). This variant has not been reported in the literature in individuals affected with IFT57-related conditions. ClinVar contains an entry for this variant (Variation ID: 1353722). An algorithm developed to predict the effect of missense changes on protein structure and function outputs the following: PolyPhen-2: "Benign". The asparagine amino acid residue is found in multiple mammalian species, which suggests that this missense change does not adversely affect protein function. In summary, the available evidence is currently insufficient to determine the role of this variant in disease. Therefore, it has been classified as a Variant of Uncertain Significance.

Blueprint Genetics
Classification: Likely benign. Last evaluated: 2024-10-02. Review status: criteria provided, single submitter. Criteria: ACMG Guidelines, 2015. Collection method: clinical testing. Allele origin: germline.

NM_018010.4(IFT57):c.719G>A (p.Ser240Asn)

Gene: IFT57 (intraflagellar transport 57; minus strand). Cytogenetic location: 3q13.12.
Variant type: single nucleotide variant.
Coding change: c.719G>A on transcript NM_018010.4 (MANE Select); coding-DNA position 719, G replaced by A.
Protein change: p.Ser240Asn; replaces serine 240 with asparagine.
Molecular consequence: missense variant.
Genome position (GRCh38, 1-based): chr3:108,191,579, C>T on the plus strand (G>A on the coding strand, the complement: IFT57 is on the minus strand). VCF-style: chr3-108191579-C-T. GRCh37 (hg19) VCF-style: chr3-107910426-C-T.
Other names: short protein forms S240N.
Identifiers: ClinVar variation 1353722 (VCV001353722.9), dbSNP rs139075839, ClinGen allele CA2526613.
Genomic context (GRCh38, chr3:108,191,579, plus strand): 5'-ACCTTATTGTCAGTCCTAATCGTGACTTTCAGTTGCGGTAGTACACGTTCCACTTCTAGG[C>T]TCCATTCTGCAGCATCTGTTGTGGATTCCAAAATATCTTCTTGTTTGGCAGTCTCGTTCA-3'
Protein context (NP_060480.1, residues 230-250): LESTTDAAEW[Ser240Asn]LEVERVLPQL